The following is an entry in ClinVar:

ClinVar aggregate classification (germline): Pathogenic. Review status: criteria provided, multiple submitters, no conflicts (2 of 4 stars). 8 submissions from 8 submitters: Pathogenic (6). 2 of the submissions do not count toward it. Last evaluated 2024-08-30.

Conditions:
CRB1-related disorder. Also called: CRB1-related condition; CRB1-related disorders.
Retinal dystrophy. Also called: Inherited retinal dystrophy. Identifiers: Orphanet 71862, MedGen C0854723, MeSH D058499, MONDO:0019118, HP:0000556.
Pigmented paravenous retinochoroidal atrophy. Identifiers: Orphanet 251295, MedGen C1868310, MONDO:0008246, OMIM 172870.
Retinitis pigmentosa 12 (RP12). Also called: RP WITH OR WITHOUT PPRPE; RP WITH OR WITHOUT PRESERVED PARAARTERIOLE RETINAL PIGMENT EPITHELIUM; RETINITIS PIGMENTOSA WITH OR WITHOUT PARAARTERIOLAR PRESERVATION OF RETINAL PIGMENT EPITHELIUM. Identifiers: Orphanet 791, MedGen C1838647, MONDO:0010818, OMIM 600105.
Leber congenital amaurosis 8 (LCA8). Identifiers: Orphanet 65, MedGen C3151202, MONDO:0013453, OMIM 613835.
Leber congenital amaurosis (LCA). Also called: Leber's amaurosis. Identifiers: Orphanet 65, MedGen C0339527, MeSH D057130, MONDO:0018998.

Allele frequency attached by ClinVar (database versions not stated): gnomAD exomes below 0.00001 and 0.00001; TOPMed below 0.00001.

Submissions (8):

Blueprint Genetics
Classification: Pathogenic for CRB1-related disorders. Last evaluated: 2024-08-30. Review status: criteria provided, single submitter. Criteria: ACMG Guidelines, 2015. Collection method: clinical testing. Allele origin: germline. Affected: yes. Observed: 4 variant alleles.

Labcorp Genetics (formerly Invitae), Labcorp
Classification: Pathogenic for Leber congenital amaurosis 8; Retinitis pigmentosa 12. Last evaluated: 2024-08-29. Review status: criteria provided, single submitter. Criteria: Invitae Variant Classification Sherloc (09022015). Collection method: clinical testing. Allele origin: germline.
Comment: This sequence change affects a donor splice site in intron 11 of the CRB1 gene. While this variant is not anticipated to result in nonsense mediated decay, it likely alters RNA splicing and results in a disrupted protein product. This variant is present in population databases (no rsID available, gnomAD 0.006%). Disruption of this splice site has been observed in individual(s) with clinical features of CRB1-related conditions (PMID: 15024725, 20683928, 23379534, 31456290). In at least one individual the data is consistent with being in trans (on the opposite chromosome) from a pathogenic variant. ClinVar contains an entry for this variant (Variation ID: 812303). Variants that disrupt the consensus splice site are a relatively common cause of aberrant splicing (PMID: 17576681, 9536098). Algorithms developed to predict the effect of sequence changes on RNA splicing suggest that this variant may disrupt the consensus splice site. For these reasons, this variant has been classified as Pathogenic.

Fulgent Genetics
Classification: Pathogenic for Pigmented paravenous retinochoroidal atrophy; Retinitis pigmentosa 12; Leber congenital amaurosis 8. Last evaluated: 2024-06-01. Review status: criteria provided, single submitter. Criteria: ACMG Guidelines, 2015. Collection method: clinical testing. Allele origin: germline.

Baylor Genetics
Classification: Pathogenic for Leber congenital amaurosis 8. Last evaluated: 2023-12-14. Review status: criteria provided, single submitter. Criteria: ACMG Guidelines, 2015. Collection method: clinical testing. Allele origin: unknown.

Institute of Human Genetics, Univ. Regensburg, Univ. Regensburg
Classification: Pathogenic for Retinal dystrophy. Last evaluated: 2022-01-01. Review status: criteria provided, single submitter. Criteria: ACMG Guidelines, 2015. Collection method: clinical testing. Allele origin: germline. Affected: yes.

Genome-Nilou Lab
Classification: Pathogenic for Leber congenital amaurosis 8. Last evaluated: 2021-07-22. Review status: criteria provided, single submitter. Criteria: ACMG Guidelines, 2015. Collection method: clinical testing. Allele origin: germline. Affected: no.

Sharon lab, Hadassah-Hebrew University Medical Center
Classification: Pathogenic for leber congenital amaurosis. Last evaluated: 2019-06-23. Review status: no assertion criteria provided. Collection method: research. Allele origin: inherited. Affected: yes. Not counted in ClinVar's aggregate classification.

Laboratory of Genetics in Ophthalmology, Institut Imagine
Classification: Pathogenic for Leber congenital amaurosis 8. Review status: no assertion criteria provided. Collection method: research. Allele origin: inherited. Affected: yes. Observed: 2 variant alleles. Not counted in ClinVar's aggregate classification.

Literature cited by the submitters: PubMed 15024725 (cited by 3 submitters); PubMed 20683928 (cited by Labcorp Genetics (formerly Invitae), Labcorp); PubMed 23379534 (cited by Labcorp Genetics (formerly Invitae), Labcorp and Institute of Human Genetics, Univ. Regensburg, Univ. Regensburg); PubMed 31456290 (cited by Labcorp Genetics (formerly Invitae), Labcorp and Institute of Human Genetics, Univ. Regensburg, Univ. Regensburg); PubMed 17576681 (cited by Labcorp Genetics (formerly Invitae), Labcorp); PubMed 9536098 (cited by Labcorp Genetics (formerly Invitae), Labcorp); PubMed 25525159 (cited by Institute of Human Genetics, Univ. Regensburg, Univ. Regensburg); PubMed 31964843 (cited by Institute of Human Genetics, Univ. Regensburg, Univ. Regensburg); PubMed 34426522 (cited by Institute of Human Genetics, Univ. Regensburg, Univ. Regensburg); PubMed 34003923 (cited by Institute of Human Genetics, Univ. Regensburg, Univ. Regensburg); PubMed 33970760 (cited by Institute of Human Genetics, Univ. Regensburg, Univ. Regensburg); PubMed 36460718 (cited by Institute of Human Genetics, Univ. Regensburg, Univ. Regensburg); PubMed 36819107 (cited by Institute of Human Genetics, Univ. Regensburg, Univ. Regensburg).

NM_201253.3(CRB1):c.4005+1G>A

Gene: CRB1 (crumbs cell polarity complex component 1; plus strand). Cytogenetic location: 1q31.3.
Variant type: single nucleotide variant.
Coding change: c.4005+1G>A on transcript NM_201253.3 (MANE Select); the canonical splice donor site of the intron after coding-DNA position 4005, G replaced by A.
Molecular consequence: splice donor variant. On other transcripts: non-coding transcript variant (1).
Genome position (GRCh38, 1-based): chr1:197,442,293, G>A. VCF-style: chr1-197442293-G-A. GRCh37 (hg19) VCF-style: chr1-197411423-G-A.
Other names: c.3933+1G>A (NM_001257965.2); c.2397+1G>A (NM_001257966.2); c.3669+1G>A (NM_001193640.2).
Identifiers: ClinVar variation 812303 (VCV000812303.15), dbSNP rs890453675, ClinGen allele CA35913902.